The following is an entry in ClinVar:

NM_001999.4(FBN2):c.2555-287A>T

Gene: FBN2 (fibrillin 2; minus strand). Cytogenetic location: 5q23.3.
Variant type: single nucleotide variant.
Coding change: c.2555-287A>T on transcript NM_001999.4 (MANE Select); 287 bases into the intron before coding-DNA position 2555, A replaced by T.
Molecular consequence: intron variant.
Genome position (GRCh38, 1-based): chr5:128,357,682, T>A on the plus strand (A>T on the coding strand, the complement: FBN2 is on the minus strand). VCF-style: chr5-128357682-T-A. GRCh37 (hg19) VCF-style: chr5-127693374-T-A.
Identifiers: ClinVar variation 683528 (VCV000683528.1), dbSNP rs3816905, ClinGen allele CA15375029.

ClinVar aggregate classification (germline): Benign (1 of 4 stars; one submission).

Allele frequency attached by ClinVar (database versions not stated): 1000 Genomes Project 30x 0.06152; 1000 Genomes Project 0.06250; TOPMed 0.07735; gnomAD 0.08254 and 0.08282.
gnomAD v4.1: 12,572 of 152,220 alleles (8.3%); highest among the groups gnomAD compares: Non-Finnish European, 10%; 592 homozygotes.

Submission:

GeneDx
Classification: Benign. Last evaluated: 2018-06-18. Review status: criteria provided, single submitter. Criteria: GeneDx Variant Classification (06012015). Collection method: clinical testing. Allele origin: germline. Affected: yes.
Comment: This variant is considered likely benign or benign based on one or more of the following criteria: it is a conservative change, it occurs at a poorly conserved position in the protein, it is predicted to be benign by multiple in silico algorithms, and/or has population frequency not consistent with disease.